The following is an entry in ClinVar:

NM_014989.7(RIMS1):c.305C>T (p.Ala102Val)

Gene: RIMS1 (regulating synaptic membrane exocytosis 1; plus strand). Cytogenetic location: 6q13.
Variant type: single nucleotide variant.
Coding change: c.305C>T on transcript NM_014989.7 (MANE Select); coding-DNA position 305, C replaced by T.
Protein change: p.Ala102Val; replaces alanine 102 with valine.
Molecular consequence: missense variant.
Genome position (GRCh38, 1-based): chr6:72,097,008, C>T. VCF-style: chr6-72097008-C-T. GRCh37 (hg19) VCF-style: chr6-72806711-C-T.
Other names: c.302C>T, p.Ala101Val (NM_001350411.1); c.224C>T, p.Ala75Val (NM_001350412.1); c.305C>T, p.Ala102Val (NM_001350413.1); short protein forms A102V, A75V, A101V.
Identifiers: ClinVar variation 4988206 (VCV004988206.1).

ClinVar aggregate classification (germline): Uncertain significance (1 of 4 stars; one submission).

Conditions:
RIMS1-related disorder. Also called: RIMS1-related condition.

gnomAD v4.1: 4 of 1,613,742 alleles (0.00025%); highest among the groups gnomAD compares: Non-Finnish European, 0.00034%; no homozygotes.

Submission:

PreventionGenetics, part of Exact Sciences
Classification: Uncertain significance for RIMS1-related condition. Last evaluated: 2024-10-20. Review status: criteria provided, single submitter. Criteria: ACMG Guidelines, 2015. Collection method: clinical testing. Allele origin: germline.
Comment: The RIMS1 c.305C>T variant is predicted to result in the amino acid substitution p.Ala102Val. To our knowledge, this variant has not been reported in the literature. This variant is reported in 0.00078% of alleles in individuals of European (Non-Finnish) descent in gnomAD. At this time, the clinical significance of this variant is uncertain due to the absence of conclusive functional and genetic evidence.